The following is an entry in ClinVar:

NM_001382508.1(DROSHA):c.1158A>G (p.Ser386=)

Gene: DROSHA (drosha ribonuclease III; minus strand). Cytogenetic location: 5p13.3.
Variant type: single nucleotide variant.
Coding change: c.1158A>G on transcript NM_001382508.1 (MANE Select); coding-DNA position 1158, A replaced by G.
Protein change: p.Ser386=; no amino-acid change (serine 386 retained).
Molecular consequence: synonymous variant.
Genome position (GRCh38, 1-based): chr5:31,515,120, T>C on the plus strand (A>G on the coding strand, the complement: DROSHA is on the minus strand). VCF-style: chr5-31515120-T-C. GRCh37 (hg19) VCF-style: chr5-31515227-T-C.
Other names: c.1047A>G, p.Ser349= (NM_001100412.2); c.1158A>G, p.Ser386= (NM_013235.5).
Identifiers: ClinVar variation 4982234 (VCV004982234.1).

ClinVar aggregate classification (germline): Likely benign (1 of 4 stars; one submission).

Conditions:
DROSHA-related disorder. Also called: DROSHA-related condition.

gnomAD v4.1: 20 of 1,613,874 alleles (0.0012%); highest among the groups gnomAD compares: South Asian, 0.0022%; no homozygotes.

Submission:

PreventionGenetics, part of Exact Sciences
Classification: Likely benign for DROSHA-related condition. Last evaluated: 2024-11-19. Review status: criteria provided, single submitter. Criteria: ACMG Guidelines, 2015. Collection method: clinical testing. Allele origin: germline.
Comment: This variant is classified as likely benign based on ACMG/AMP sequence variant interpretation guidelines (Richards et al. 2015 PMID: 25741868, with internal and published modifications).